The following is an entry in ClinVar:

ClinVar aggregate classification (germline): Likely pathogenic (1 of 4 stars; one submission).

gnomAD v4.1: 1 of 1,594,648 alleles (0.000063%); highest among the groups gnomAD compares: Non-Finnish European, 0.000086%; no homozygotes.

Submission:

GeneDx
Classification: Likely pathogenic. Last evaluated: 2026-04-15. Review status: criteria provided, single submitter. Criteria: GeneDx Variant Classification Process June 2021. Collection method: clinical testing. Allele origin: germline.
Comment: In silico analysis supports that this missense variant has a deleterious effect on protein structure/function; This variant is associated with the following publications: (PMID: 35138025, 33057194, 35982159)

NM_031844.3(HNRNPU):c.893A>G (p.His298Arg)

Gene: HNRNPU (heterogeneous nuclear ribonucleoprotein U; minus strand). Cytogenetic location: 1q44.
Variant type: single nucleotide variant.
Coding change: c.893A>G on transcript NM_031844.3 (MANE Select); coding-DNA position 893, A replaced by G.
Protein change: p.His298Arg; replaces histidine 298 with arginine.
Molecular consequence: missense variant.
Genome position (GRCh38, 1-based): chr1:244,860,459, T>C on the plus strand (A>G on the coding strand, the complement: HNRNPU is on the minus strand). VCF-style: chr1-244860459-T-C. GRCh37 (hg19) VCF-style: chr1-245023761-T-C.
Other names: c.836A>G, p.His279Arg (NM_004501.3); short protein forms H279R, H298R.
Identifiers: ClinVar variation 5037685 (VCV005037685.1).